The following is an entry in ClinVar:

NM_018062.4(FANCL):c.776-6C>G

Gene: FANCL (FA complementation group L; minus strand). Cytogenetic location: 2p16.1.
Variant type: single nucleotide variant.
Coding change: c.776-6C>G on transcript NM_018062.4 (MANE Select); 6 bases into the intron before coding-DNA position 776, C replaced by G.
Molecular consequence: intron variant.
Genome position (GRCh38, 1-based): chr2:58,163,080, G>C on the plus strand (C>G on the coding strand, the complement: FANCL is on the minus strand). VCF-style: chr2-58163080-G-C. GRCh37 (hg19) VCF-style: chr2-58390215-G-C.
Other names: c.821-6C>G (NM_001374615.1); c.791-6C>G (NM_001114636.2); c.836-6C>G (NM_001410792.1).
Identifiers: ClinVar variation 1394057 (VCV001394057.8), dbSNP rs1359670933, ClinGen allele CA2573134955.
Genomic context (GRCh38, chr2:58,163,080, plus strand): 5'-GGTACCTACCACAAATGTATGTTCCTGCTCAGCTTAATTCCCAGGGGTTTTACCACTTCA[G>C]ATTAAAAAAAAAAAATTTAATAATTGCATGCTCTACTCTTGGTTTCTAAAGCCACATTTG-3'

ClinVar aggregate classification (germline): Uncertain significance (1 of 4 stars; one submission).

Conditions:
Fanconi anemia (FA). Also called: Fanconi's anemia. Identifiers: Orphanet 84, MedGen C0015625, MeSH D005199, MONDO:0019391.

Allele frequency attached by ClinVar (database versions not stated): gnomAD exomes below 0.00001.
gnomAD v4.1: 1 of 1,603,488 alleles (0.000062%); highest among the groups gnomAD compares: Non-Finnish European, 0.000085%; no homozygotes.

Submission:

Labcorp Genetics (formerly Invitae), Labcorp
Classification: Uncertain significance for Fanconi anemia. Last evaluated: 2021-05-08. Review status: criteria provided, single submitter. Criteria: Invitae Variant Classification Sherloc (09022015). Collection method: clinical testing. Allele origin: germline.
Comment: This sequence change falls in intron 9 of the FANCL gene. It does not directly change the encoded amino acid sequence of the FANCL protein. This variant is not present in population databases (ExAC no frequency). This variant has not been reported in the literature in individuals with FANCL-related conditions. Algorithms developed to predict the effect of sequence changes on RNA splicing suggest that this variant may disrupt the consensus splice site, but this prediction has not been confirmed by published transcriptional studies. In summary, the available evidence is currently insufficient to determine the role of this variant in disease. Therefore, it has been classified as a Variant of Uncertain Significance.